The following is an entry in ClinVar:

ClinVar aggregate classification (germline): Pathogenic. Review status: criteria provided, multiple submitters, no conflicts (2 of 4 stars). 2 submissions from 2 submitters: Pathogenic (2). Last evaluated 2026-03-12.

Conditions:
Fetal anomalies with a likely genetic cause.

Allele frequency attached by ClinVar (database versions not stated): gnomAD 0.00001; ExAC 0.00002; TOPMed 0.00001; gnomAD exomes 0.00001.
gnomAD v4.1: 19 of 1,613,750 alleles (0.0012%); highest among the groups gnomAD compares: South Asian, 0.0044%; no homozygotes.

Submissions (2):

Genetics Laboratory, Great Ormond Street Hospital NHS Foundation Trust, North Thames Genomic Laboratory Hub
Classification: Pathogenic for Fetal anomalies with a likely genetic cause. Last evaluated: 2026-03-12. Review status: criteria provided, single submitter. Criteria: ACGS Best Practice Guidelines for Variant Classification in Rare Disease 2024 v1.2. Collection method: clinical testing. Allele origin: germline. Affected: yes.
Comment: PM2_moderate, PVS1_very-strong

Labcorp Genetics (formerly Invitae), Labcorp
Classification: Pathogenic. Last evaluated: 2025-08-15. Review status: criteria provided, single submitter. Criteria: Invitae Variant Classification Sherloc (09022015). Collection method: clinical testing. Allele origin: germline.
Comment: This sequence change creates a premature translational stop signal (p.Arg990*) in the MYO18B gene. It is expected to result in an absent or disrupted protein product. Loss-of-function variants in MYO18B are known to be pathogenic (PMID: 25748484, 32184166, 32637634). This variant is present in population databases (rs766858803, gnomAD 0.007%). This variant has not been reported in the literature in individuals affected with MYO18B-related conditions. ClinVar contains an entry for this variant (Variation ID: 2985072). For these reasons, this variant has been classified as Pathogenic.

Literature cited by the submitters: PubMed 25748484 (cited by Labcorp Genetics (formerly Invitae), Labcorp); PubMed 32184166 (cited by Labcorp Genetics (formerly Invitae), Labcorp); PubMed 32637634 (cited by Labcorp Genetics (formerly Invitae), Labcorp).

NM_032608.7(MYO18B):c.2968C>T (p.Arg990Ter)

Gene: MYO18B (myosin XVIIIB; plus strand). Cytogenetic location: 22q12.1.
Variant type: single nucleotide variant.
Coding change: c.2968C>T on transcript NM_032608.7 (MANE Select); coding-DNA position 2968, C replaced by T.
Protein change: p.Arg990Ter; replaces arginine 990 with a stop codon.
Molecular consequence: nonsense.
Genome position (GRCh38, 1-based): chr22:25,828,957, C>T. VCF-style: chr22-25828957-C-T. GRCh37 (hg19) VCF-style: chr22-26224924-C-T.
Other names: c.2968C>T, p.Arg990Ter (NM_001318245.2); short protein forms R990*.
Identifiers: ClinVar variation 2985072 (VCV002985072.4), dbSNP rs766858803, ClinGen allele CA10160384.